The following is an entry in ClinVar:

ClinVar aggregate classification (germline): Uncertain significance (1 of 4 stars; one submission).

Conditions:
Congenital brain dysgenesis due to glutamine synthetase deficiency (GLND). Also called: GLUTAMINE SYNTHASE DEFICIENCY, CONGENITAL SYSTEMIC. Identifiers: Orphanet 71278, MedGen C1864910, MONDO:0012393, OMIM 610015.

Allele frequency attached by ClinVar (database versions not stated): gnomAD exomes below 0.00001.
gnomAD v4.1: 1 of 1,613,334 alleles (0.000062%); highest among the groups gnomAD compares: South Asian, 0.0011%; no homozygotes.

Submission:

Labcorp Genetics (formerly Invitae), Labcorp
Classification: Uncertain significance for Congenital brain dysgenesis due to glutamine synthetase deficiency. Last evaluated: 2024-01-02. Review status: criteria provided, single submitter. Criteria: Invitae Variant Classification Sherloc (09022015). Collection method: clinical testing. Allele origin: germline.
Comment: This sequence change replaces glycine, which is neutral and non-polar, with glutamic acid, which is acidic and polar, at codon 156 of the GLUL protein (p.Gly156Glu). This variant is not present in population databases (gnomAD no frequency). This variant has not been reported in the literature in individuals affected with GLUL-related conditions. ClinVar contains an entry for this variant (Variation ID: 2090342). Advanced modeling of protein sequence and biophysical properties (such as structural, functional, and spatial information, amino acid conservation, physicochemical variation, residue mobility, and thermodynamic stability) performed at Invitae indicates that this missense variant is not expected to disrupt GLUL protein function with a negative predictive value of 80%. In summary, the available evidence is currently insufficient to determine the role of this variant in disease. Therefore, it has been classified as a Variant of Uncertain Significance.

NM_001033044.4(GLUL):c.467G>A (p.Gly156Glu)

Genes: GLUL (glutamate-ammonia ligase; minus strand), LOC126805944 (CDK7 strongly-dependent group 2 enhancer GRCh37_chr1:182354799-182355998; plus strand). Cytogenetic location: 1q25.3.
Variant type: single nucleotide variant.
Coding change: c.467G>A on transcript NM_001033044.4 (MANE Select); coding-DNA position 467, G replaced by A.
Protein change: p.Gly156Glu; replaces glycine 156 with glutamic acid.
Molecular consequence: missense variant.
Genome position (GRCh38, 1-based): chr1:182,386,264, C>T on the plus strand (G>A on the coding strand, the complement: GLUL is on the minus strand). VCF-style: chr1-182386264-C-T. GRCh37 (hg19) VCF-style: chr1-182355399-C-T.
Other names: c.467G>A, p.Gly156Glu (NM_001033056.4, NM_002065.7); short protein forms G156E.
Identifiers: ClinVar variation 2090342 (VCV002090342.4), dbSNP rs570552797, ClinGen allele CA343640748.